The following is an entry in ClinVar:

NM_177438.3(DICER1):c.1173G>A (p.Glu391=)

Gene: DICER1 (dicer 1, ribonuclease III; minus strand). Cytogenetic location: 14q32.13.
Variant type: single nucleotide variant.
Coding change: c.1173G>A on transcript NM_177438.3 (MANE Select); coding-DNA position 1173, G replaced by A.
Protein change: p.Glu391=; no amino-acid change (glutamic acid 391 retained).
Molecular consequence: synonymous variant.
Genome position (GRCh38, 1-based): chr14:95,124,399, C>T on the plus strand (G>A on the coding strand, the complement: DICER1 is on the minus strand). VCF-style: chr14-95124399-C-T. GRCh37 (hg19) VCF-style: chr14-95590736-C-T.
Other names: c.1173G>A, p.Glu391= (NM_001195573.1, NM_001271282.3, NM_001291628.2 and 1 more transcripts).
Identifiers: ClinVar variation 483418 (VCV000483418.16), dbSNP rs1269365429, ClinGen allele CA487845361.
Genomic context (GRCh38, chr14:95,124,399, plus strand): 5'-TGACACATAATTATCCTGATTTCTATTATTATACCACTCAACGCTTTCAAACTGCTGTCG[C>T]TCATATGGTTTATATTTGCGTAAGATTTCGAGCAGTTTGATTACTTTAGGAGTTACAAAT-3'
Protein context (NP_803187.1, residues 381-401): LEILRKYKPY[Glu391=]RQQFESVEWY

ClinVar aggregate classification (germline): Benign/Likely benign. Review status: criteria provided, multiple submitters, no conflicts (2 of 4 stars). 3 submissions from 3 submitters: Benign (1); Likely benign (2). Last evaluated 2026-08-19.

Conditions:
DICER1-related tumor predisposition. Also called: DICER1 syndrome; DICER1-related pleuropulmonary blastoma cancer predisposition syndrome. Identifiers: Orphanet 284343, MedGen C3839822, MONDO:0100216.
Hereditary cancer-predisposing syndrome. Also called: Tumor predisposition; Neoplastic Syndromes, Hereditary; Hereditary Cancer Syndrome; Hereditary neoplastic syndrome. Identifiers: Orphanet 140162, MedGen C0027672, MeSH D009386, MONDO:0015356.

Allele frequency attached by ClinVar (database versions not stated): gnomAD exomes below 0.00001.
gnomAD v4.1: 1 of 1,614,122 alleles (0.000062%); highest among the groups gnomAD compares: Non-Finnish European, 0.000085%; no homozygotes.

Submissions (3):

Myriad Genetics, Inc.
Classification: Benign for DICER1-related tumor predisposition. Last evaluated: 2026-08-19. Review status: criteria provided, single submitter. Criteria: Myriad Autosomal Dominant, Autosomal Recessive and X-Linked Classification Criteria (2023). Collection method: clinical testing. Allele origin: unknown.
Comment: This variant is considered benign. This variant is a silent/synonymous amino acid change and it is not expected to impact splicing.

Labcorp Genetics (formerly Invitae), Labcorp
Classification: Likely benign for DICER1-related tumor predisposition. Last evaluated: 2023-05-05. Review status: criteria provided, single submitter. Criteria: Invitae Variant Classification Sherloc (09022015). Collection method: clinical testing. Allele origin: germline.

Ambry Genetics
Classification: Likely benign for Hereditary cancer-predisposing syndrome. Last evaluated: 2017-05-05. Review status: criteria provided, single submitter. Criteria: Ambry Variant Classification Scheme 2023. Collection method: clinical testing. Allele origin: germline.